The following is an entry in ClinVar:

ClinVar aggregate classification (germline): Conflicting classifications of pathogenicity. Review status: criteria provided, conflicting classifications (1 of 4 stars). 6 submissions from 6 submitters: Pathogenic (2); Likely pathogenic (2); Uncertain significance (2). Last evaluated 2026-04-22.

Conditions:
Jervell and Lange-Nielsen syndrome 1 (JLNS1). Also called: CARDIOAUDITORY SYNDROME OF JERVELL AND LANGE-NIELSEN; DEAFNESS, CONGENITAL, AND FUNCTIONAL HEART DISEASE; PROLONGED QT INTERVAL IN EKG AND SUDDEN DEATH; SURDO-CARDIAC SYNDROME. Identifiers: Orphanet 768, Orphanet 90647, MedGen C4551509, MONDO:0024540, OMIM 220400.
Pituitary hormone deficiency.
KCNQ1-related disorder. Also called: KCNQ1-related disorders; KCNQ1-related condition. Identifiers: MedGen CN239322.

Submissions (6):

NHS Central & South Genomic Laboratory Hub
Classification: Likely pathogenic for Pituitary hormone deficiency. Last evaluated: 2026-04-22. Review status: criteria provided, single submitter. Criteria: ACMG Guidelines, 2015. Collection method: clinical testing. Allele origin: germline. Affected: yes.

PreventionGenetics, part of Exact Sciences
Classification: Likely pathogenic for KCNQ1-related condition. Last evaluated: 2025-12-15. Review status: criteria provided, single submitter. Criteria: ACMG Guidelines, 2015. Collection method: clinical testing. Allele origin: germline.
Comment: The KCNQ1 c.1106C>T variant is predicted to result in the amino acid substitution p.Pro369Leu. This variant has been reported in at least six unrelated individuals with growth hormone deficiency, including two de novo cases. Affected individuals also manifested gingival fibromatosis if this variant was identified on the maternal allele (Tommiska et al. 2017. PubMed ID: 29097701; Dekelbab and Chopra. 2019. doi: 10.1210/js.2019-SUN-286; Bauer et al. 2022. PubMed ID: 36077086; Sabbe et al. 2023. doi: 10.1530/endoabs.97.027; Nakajima et al. 2024. PubMed ID: 38987191). Functional studies showed this variant affects calcium sensitivity, reduces pituitary hormone secretion, and results in a gain-of-function of heteromeric KCNQ1-KCNE2 channels (Tommiska et al. 2017. PubMed ID: 29097701; Bauer et al. 2022. PubMed ID: 36077086). This variant has not been reported in a large population database (gnomAD), indicating this variant is rare. This variant is interpreted as likely pathogenic.

CeGaT Center for Human Genetics Tuebingen
Classification: Pathogenic. Last evaluated: 2025-12-01. Review status: criteria provided, single submitter. Criteria: CeGaT Center For Human Genetics Tuebingen Variant Classification Criteria Version 2. Collection method: clinical testing. Allele origin: germline. Affected: yes. Observed: 1 variant allele.
Comment: KCNQ1: PS4, PM2, PP1:Moderate, PM6:Supporting, PP3, PS3:Supporting

Laboratory of Genetics, Children's Clinical University Hospital Latvia
Classification: Pathogenic. Last evaluated: 2025-02-16. Review status: criteria provided, single submitter. Criteria: ACMG Guidelines, 2015. Collection method: clinical testing. Allele origin: germline. Affected: yes.

GeneDx
Classification: Uncertain significance. Last evaluated: 2022-02-03. Review status: criteria provided, single submitter. Criteria: GeneDx Variant Classification Process June 2021. Collection method: clinical testing. Allele origin: germline. Affected: yes.
Comment: Reported in individuals from two separate families with growth hormone deficiency and maternally inherited gingival fibromatosis (Tommiska et al., 2017); Not observed at significant frequency in large population cohorts (gnomAD); In silico analysis supports that this missense variant has a deleterious effect on protein structure/function; This variant is associated with the following publications: (PMID: 29097701, Benedetti2021[preprint], 29740400)

Genetics and Molecular Pathology, SA Pathology
Classification: Uncertain significance for Jervell and Lange-Nielsen syndrome 1. Last evaluated: 2021-08-12. Review status: criteria provided, single submitter. Criteria: ACMG Guidelines, 2015. Collection method: clinical testing. Allele origin: germline. Inheritance: Autosomal dominant inheritance. Affected: yes.
Comment: The KCNQ1 c.1106C>T variant is classified as a VARIANT OF UNCERTAIN SIGNIFICANCE (PM2, PP3, PS2_moderate) The KCNQ1 c.1106C>T variant is a single nucleotide change in exon 8 of the KCNQ1 gene, which is predicted to change the amino acid proline at position 369 in the protein to leucine. It has not been reported in dbSNP and is absent from population databases (PM2). This variant has not been reported in the ClinVar disease database but has been reported in HGMD as possibly damaging for an unrelated disorder (maternally inherited gingival fibromatosis and pituitary growth hormone deficiency, PMID:29097701, CM1727085). Computational predictions support a deleterious effect on the gene or gene product (PP3).

Literature cited by the submitters: PubMed 29097701 (cited by Genetics and Molecular Pathology, SA Pathology).

NM_000218.3(KCNQ1):c.1106C>T (p.Pro369Leu)

Gene: KCNQ1 (potassium voltage-gated channel subfamily Q member 1; plus strand). Cytogenetic location: 11p15.5.
Variant type: single nucleotide variant.
Coding change: c.1106C>T on transcript NM_000218.3 (MANE Select); coding-DNA position 1106, C replaced by T.
Protein change: p.Pro369Leu; replaces proline 369 with leucine.
Molecular consequence: missense variant.
Genome position (GRCh38, 1-based): chr11:2,585,285, C>T. VCF-style: chr11-2585285-C-T. GRCh37 (hg19) VCF-style: chr11-2606515-C-T.
Other names: c.836C>T, p.Pro279Leu (NM_001406837.1); c.725C>T, p.Pro242Leu (NM_181798.2); short protein forms P242L, P369L, P279L.
Identifiers: ClinVar variation 1339593 (VCV001339593.12), dbSNP rs781369724, ClinGen allele CA379133900.